The following is an entry in ClinVar:

NM_152618.3(BBS12):c.1222A>C (p.Lys408Gln)

Gene: BBS12 (Bardet-Biedl syndrome 12; plus strand). Cytogenetic location: 4q27.
Variant type: single nucleotide variant.
Coding change: c.1222A>C on transcript NM_152618.3 (MANE Select); coding-DNA position 1222, A replaced by C.
Protein change: p.Lys408Gln; replaces lysine 408 with glutamine.
Molecular consequence: missense variant.
Genome position (GRCh38, 1-based): chr4:122,743,114, A>C. VCF-style: chr4-122743114-A-C. GRCh37 (hg19) VCF-style: chr4-123664269-A-C.
Other names: c.1222A>C, p.Lys408Gln (NM_001178007.2); short protein forms K408Q.
Identifiers: ClinVar variation 4992434 (VCV004992434.1).

ClinVar aggregate classification (germline): Uncertain significance (1 of 4 stars; one submission).

Conditions:
BBS12-related disorder. Also called: BBS12-related condition.

gnomAD v4.1: 1 of 1,614,138 alleles (0.000062%); highest among the groups gnomAD compares: African/African-American, 0.0013%; no homozygotes.

Submission:

PreventionGenetics, part of Exact Sciences
Classification: Uncertain significance for BBS12-related condition. Last evaluated: 2025-10-31. Review status: criteria provided, single submitter. Criteria: ACMG Guidelines, 2015. Collection method: clinical testing. Allele origin: germline.
Comment: The BBS12 c.1222A>C variant is predicted to result in the amino acid substitution p.Lys408Gln. To our knowledge, this variant has not been reported in the literature. Another variant affecting the same amino acid (c.1223A>G, p.Lys408Arg) has been reported in an individual with Bardet-Biedl syndrome (Hjortshøj et al. 2010. PubMed ID: 20120035) and in an individual with retinitis pigmentosa (Table S4, Jespersgaard et al. 2019. PubMed ID: 30718709). This variant is reported in 0.0062% of alleles in individuals of African descent in gnomAD. At this time, the clinical significance of this variant is uncertain due to the absence of conclusive functional and genetic evidence.